The following is an entry in ClinVar:

ClinVar aggregate classification (germline): Uncertain significance (1 of 4 stars; one submission).

Conditions:
Adenylosuccinate lyase deficiency (ADSLD). Also called: ADSL DEFICIENCY. Identifiers: Orphanet 46, MedGen C0268126, MONDO:0007068, OMIM 103050.

Allele frequency attached by ClinVar (database versions not stated): TOPMed 0.00001.

Submission:

Labcorp Genetics (formerly Invitae), Labcorp
Classification: Uncertain significance for Adenylosuccinate lyase deficiency. Last evaluated: 2024-10-29. Review status: criteria provided, single submitter. Criteria: Invitae Variant Classification Sherloc (09022015). Collection method: clinical testing. Allele origin: germline.
Comment: This variant occurs in a non-coding region of the ADSL gene. It does not change the encoded amino acid sequence of the ADSL protein. This variant is not present in population databases (gnomAD no frequency). This variant has not been reported in the literature in individuals affected with ADSL-related conditions. Experimental studies and prediction algorithms are not available or were not evaluated, and the functional significance of this variant is currently unknown. In summary, the available evidence is currently insufficient to determine the role of this variant in disease. Therefore, it has been classified as a Variant of Uncertain Significance.

NC_000022.11:g.40346032_40346033del

Gene: ADSL (adenylosuccinate lyase; plus strand). Cytogenetic location: 22q13.1.
Variant type: Deletion.
Genome position: GRCh38 VCF-style: chr22-40346031-TAA-T. GRCh37 (hg19) VCF-style: chr22-40742035-TAA-T.
Identifiers: ClinVar variation 1490540 (VCV001490540.7), dbSNP rs1359178555, ClinGen allele CA753179794.